The following is an entry in ClinVar:

ClinVar aggregate classification (germline): Uncertain significance (1 of 4 stars; one submission).

Conditions:
Congenital disorder of glycosylation type 1E (CDG1E). Also called: CONGENITAL DISORDER OF GLYCOSYLATION, TYPE Ie; CDG Ie. Identifiers: Orphanet 79322, MedGen C1837396, MONDO:0012123, OMIM 608799.

Allele frequency attached by ClinVar (database versions not stated): gnomAD exomes below 0.00001; gnomAD 0.00001; TOPMed 0.00002.
gnomAD v4.1: 5 of 1,613,712 alleles (0.00031%); highest among the groups gnomAD compares: African/African-American, 0.0067%; no homozygotes.

Submission:

Labcorp Genetics (formerly Invitae), Labcorp
Classification: Uncertain significance for Congenital disorder of glycosylation type 1E. Last evaluated: 2022-05-31. Review status: criteria provided, single submitter. Criteria: Invitae Variant Classification Sherloc (09022015). Collection method: clinical testing. Allele origin: germline.
Comment: In summary, the available evidence is currently insufficient to determine the role of this variant in disease. Therefore, it has been classified as a Variant of Uncertain Significance. Variants that disrupt the consensus splice site are a relatively common cause of aberrant splicing (PMID: 17576681, 9536098). Algorithms developed to predict the effect of sequence changes on RNA splicing suggest that this variant is not likely to affect RNA splicing. This variant has not been reported in the literature in individuals affected with DPM1-related conditions. This variant is not present in population databases (gnomAD no frequency). This sequence change falls in intron 3 of the DPM1 gene. It does not directly change the encoded amino acid sequence of the DPM1 protein. It affects a nucleotide within the consensus splice site.

Literature cited by the submitters: PubMed 17576681; PubMed 9536098.

NM_003859.3(DPM1):c.295+6T>C

Gene: DPM1 (dolichyl-phosphate mannosyltransferase subunit 1, catalytic; minus strand). Cytogenetic location: 20q13.13.
Variant type: single nucleotide variant.
Coding change: c.295+6T>C on transcript NM_003859.3 (MANE Select); 6 bases into the intron after coding-DNA position 295, T replaced by C.
Molecular consequence: intron variant.
Genome position (GRCh38, 1-based): chr20:50,948,623, A>G on the plus strand (T>C on the coding strand, the complement: DPM1 is on the minus strand). VCF-style: chr20-50948623-A-G. GRCh37 (hg19) VCF-style: chr20-49565160-A-G.
Other names: c.295+6T>C (NM_001317036.1, NM_001317035.1, NM_001317034.1).
Identifiers: ClinVar variation 2150002 (VCV002150002.3), dbSNP rs1986415897, ClinGen allele CA1018313684.
Genomic context (GRCh38, chr20:50,948,623, plus strand): 5'-AATACACACTGGATCATGTCACCAAGCAAGCAGCAGGTGTGAGGGGTTAGAGATTACACG[A>G]CTTACCTAGTCCCAACTTTTTCTCTCGTGGTCTTAGAAGCTGTAGGAATAAGAAATAGCA-3'